The following is an entry in ClinVar:

ClinVar aggregate classification (germline): Likely pathogenic (1 of 4 stars; one submission).

Conditions:
Intellectual developmental disorder with hypotonia, impaired speech, and dysmorphic facies (IDDHISD). Identifiers: MedGen C5561997, MONDO:0859197, OMIM 619556.

Submission:

Undiagnosed Diseases Network, NIH
Classification: Likely pathogenic for Intellectual developmental disorder with hypotonia, impaired speech, and dysmorphic facies. Last evaluated: 2022-02-03. Review status: criteria provided, single submitter. Criteria: ACMG Guidelines, 2015. Collection method: clinical testing. Allele origin: de novo. Inheritance: Autosomal dominant inheritance. Affected: yes. Observed: 1 variant allele, 1 heterozygote. Study: Undiagnosed Diseases Network (NIH), UDN.
Comment: This variant has been previously published in a different individual (PMID: 34314705).

NM_001382241.1(TNPO2):c.1643C>T (p.Ser548Phe)

Gene: TNPO2 (transportin 2; minus strand). Cytogenetic location: 19p13.13.
Variant type: single nucleotide variant.
Coding change: c.1643C>T on transcript NM_001382241.1 (MANE Select); coding-DNA position 1643, C replaced by T.
Protein change: p.Ser548Phe; replaces serine 548 with phenylalanine.
Molecular consequence: missense variant. On other transcripts: non-coding transcript variant (6).
Genome position (GRCh38, 1-based): chr19:12,706,221, G>A on the plus strand (C>T on the coding strand, the complement: TNPO2 is on the minus strand). VCF-style: chr19-12706221-G-A. GRCh37 (hg19) VCF-style: chr19-12817035-G-A.
Other names: p.Ser548Phe; c.1643C>T, p.Ser548Phe (NM_001136195.2, NM_001136196.2, NM_001382236.1 and 7 more transcripts); short protein forms S548F.
Identifiers: ClinVar variation 1690646 (VCV001690646.3), dbSNP rs2145492753, ClinGen allele CA404241428.